The following is an entry in ClinVar:

ClinVar aggregate classification (germline): Benign. Review status: criteria provided, multiple submitters, no conflicts (2 of 4 stars). 9 submissions from 9 submitters: Benign (9). Last evaluated 2026-02-04.

Conditions:
Developmental and epileptic encephalopathy, 1 (DEE1). Also called: X-linked infantile spasms; West's syndrome; Tonic spasms with clustering, arrest of psychomotor development and hypsarrhythmia on EEG; X-Linked Infantile Spasm Syndrome; OHTAHARA SYNDROME, X-LINKED; INFANTILE SPASM SYNDROME, X-LINKED 1. Identifiers: MedGen C3463992, MONDO:0010632, OMIM 308350. Disease mechanism: loss of function.
Intellectual disability, X-linked, with or without seizures, ARX-related. Also called: INTELLECTUAL DEVELOPMENTAL DISORDER, X-LINKED 29; Mental retardation, X-linked 52; MENTAL RETARDATION, X-LINKED 29; MENTAL RETARDATION, X-LINKED 32; MENTAL RETARDATION, X-LINKED 33; MENTAL RETARDATION, X-LINKED 38. Identifiers: Orphanet 777, MedGen C0796244, MONDO:0010317, OMIM 300419.
Inborn genetic diseases. Identifiers: MedGen C0950123, MeSH D030342.

Allele frequency attached by ClinVar (database versions not stated): 1000 Genomes Project 30x 0.01602; gnomAD 0.01993 and 0.02004; gnomAD exomes 0.02674 and 0.04684; ESP Exome Variant Server 0.01467; TOPMed 0.02312; 1000 Genomes Project 0.01457; ExAC 0.07446.
gnomAD v4.1: 30,014 of 1,159,130 alleles (2.6%); highest among the groups gnomAD compares: Admixed American, 9.4%; 435 homozygotes.

Submissions (9):

Labcorp Genetics (formerly Invitae), Labcorp
Classification: Benign for Developmental and epileptic encephalopathy, 1; Intellectual disability, X-linked, with or without seizures, ARX-related. Last evaluated: 2026-02-04. Review status: criteria provided, single submitter. Criteria: Invitae Variant Classification Sherloc (09022015). Collection method: clinical testing. Allele origin: germline.

Athena Diagnostics
Classification: Benign. Last evaluated: 2022-01-26. Review status: criteria provided, single submitter. Criteria: Athena Diagnostics Criteria. Collection method: clinical testing. Allele origin: unknown.

Mayo Clinic Laboratories, Mayo Clinic
Classification: Benign. Last evaluated: 2019-06-17. Review status: criteria provided, single submitter. Criteria: ACMG Guidelines, 2015. Collection method: clinical testing. Allele origin: germline. Observed: 22 variant alleles.

Ambry Genetics
Classification: Benign for Inborn genetic diseases. Last evaluated: 2015-11-09. Review status: criteria provided, single submitter. Criteria: Ambry Variant Classification Scheme 2023. Collection method: clinical testing. Allele origin: germline.

Eurofins Ntd Llc (ga)
Classification: Benign. Last evaluated: 2013-08-02. Review status: criteria provided, single submitter. Criteria: EGL Classification Definitions 2015. Collection method: clinical testing. Allele origin: germline. Observed: 14 variant alleles, 10 heterozygotes, 4 hemizygotes.

Genetic Services Laboratory, University of Chicago
Classification: Benign. Last evaluated: 2013-02-08. Review status: criteria provided, single submitter. Criteria: ACMG Guidelines, 2007. Collection method: clinical testing. Allele origin: germline. Inheritance: X-linked inheritance.

GeneDx
Classification: Benign. Last evaluated: 2012-04-27. Review status: criteria provided, single submitter. Criteria: GeneDx Variant Classification (06012015). Collection method: clinical testing. Allele origin: germline. Affected: yes.
Comment: This variant is considered likely benign or benign based on one or more of the following criteria: it is a conservative change, it occurs at a poorly conserved position in the protein, it is predicted to be benign by multiple in silico algorithms, and/or has population frequency not consistent with disease.

Breakthrough Genomics
Classification: Benign. Review status: criteria provided, single submitter. Criteria: ACMG Guidelines, 2015. Collection method: not provided. Allele origin: germline. Inheritance: X-linked inheritance. Affected: yes.

PreventionGenetics, part of Exact Sciences
Classification: Benign. Review status: criteria provided, single submitter. Criteria: ACMG Guidelines, 2015. Collection method: clinical testing. Allele origin: germline.

NM_139058.3(ARX):c.1347C>T (p.Gly449=)

Gene: ARX (aristaless related homeobox; minus strand). Cytogenetic location: Xp21.3.
Variant type: single nucleotide variant.
Coding change: c.1347C>T on transcript NM_139058.3 (MANE Select); coding-DNA position 1347, C replaced by T.
Protein change: p.Gly449=; no amino-acid change (glycine 449 retained).
Molecular consequence: synonymous variant.
Genome position (GRCh38, 1-based): chrX:25,007,212, G>A on the plus strand (C>T on the coding strand, the complement: ARX is on the minus strand). VCF-style: chrX-25007212-G-A. GRCh37 (hg19) VCF-style: chrX-25025329-G-A.
Other names: p.G449G:GGC>GGT; p.Gly449=.
Identifiers: ClinVar variation 96451 (VCV000096451.26), dbSNP rs75489697, ClinGen allele CA149539.